The following is an entry in ClinVar:

NM_138713.4(NFAT5):c.2842C>T (p.Pro948Ser)

Gene: NFAT5 (nuclear factor of activated T cells 5; plus strand). Cytogenetic location: 16q22.1.
Variant type: single nucleotide variant.
Coding change: c.2842C>T on transcript NM_138713.4 (MANE Select); coding-DNA position 2842, C replaced by T.
Protein change: p.Pro948Ser; replaces proline 948 with serine.
Molecular consequence: missense variant.
Genome position (GRCh38, 1-based): chr16:69,692,667, C>T. VCF-style: chr16-69692667-C-T. GRCh37 (hg19) VCF-style: chr16-69726570-C-T.
Other names: c.2839C>T, p.Pro947Ser (NM_001113178.3); c.2167C>T, p.Pro723Ser (NM_001367709.1); c.2788C>T, p.Pro930Ser (NM_006599.4); c.2560C>T, p.Pro854Ser (NM_138714.4, NM_173214.3, NM_173215.3); short protein forms P723S, P948S, P930S, P854S, P947S.
Identifiers: ClinVar variation 1408198 (VCV001408198.6), dbSNP rs141926483, ClinGen allele CA8135813.

ClinVar aggregate classification (germline): Uncertain significance (1 of 4 stars; one submission).

Conditions:
Immunodeficiency. Identifiers: MedGen C0021051, MONDO:0021094, HP:0002721.

Allele frequency attached by ClinVar (database versions not stated): gnomAD exomes below 0.00001 and 0.00001; ExAC 0.00002; TOPMed 0.00003; gnomAD 0.00004; ESP Exome Variant Server 0.00008; 1000 Genomes Project 30x 0.00016; 1000 Genomes Project 0.00020.
gnomAD v4.1: 13 of 1,614,212 alleles (0.00081%); highest among the groups gnomAD compares: African/African-American, 0.013%; no homozygotes.

Submission:

Labcorp Genetics (formerly Invitae), Labcorp
Classification: Uncertain significance for Immunodeficiency. Last evaluated: 2023-03-08. Review status: criteria provided, single submitter. Criteria: Invitae Variant Classification Sherloc (09022015). Collection method: clinical testing. Allele origin: germline.
Comment: The frequency data for this variant in the population databases is considered unreliable, as metrics indicate poor data quality at this position in the gnomAD database. This sequence change replaces proline, which is neutral and non-polar, with serine, which is neutral and polar, at codon 854 of the NFAT5 protein (p.Pro854Ser). This variant has not been reported in the literature in individuals affected with NFAT5-related conditions. ClinVar contains an entry for this variant (Variation ID: 1408198). An algorithm developed to predict the effect of missense changes on protein structure and function (PolyPhen-2) suggests that this variant is likely to be disruptive. In summary, the available evidence is currently insufficient to determine the role of this variant in disease. Therefore, it has been classified as a Variant of Uncertain Significance.